The following is an entry in ClinVar:

NM_016203.4(PRKAG2):c.1561G>A (p.Val521Met)

Gene: PRKAG2 (protein kinase AMP-activated non-catalytic subunit gamma 2; minus strand). Cytogenetic location: 7q36.1.
Variant type: single nucleotide variant.
Coding change: c.1561G>A on transcript NM_016203.4 (MANE Select); coding-DNA position 1561, G replaced by A.
Protein change: p.Val521Met; replaces valine 521 with methionine.
Molecular consequence: missense variant.
Genome position (GRCh38, 1-based): chr7:151,564,101, C>T on the plus strand (G>A on the coding strand, the complement: PRKAG2 is on the minus strand). VCF-style: chr7-151564101-C-T. GRCh37 (hg19) VCF-style: chr7-151261187-C-T.
Other names: c.1429G>A, p.Val477Met (NM_001040633.2); c.1186G>A, p.Val396Met (NM_001304527.2); c.838G>A, p.Val280Met (NM_001304531.2, NM_024429.2); c.1189G>A, p.Val397Met (NM_001363698.2); short protein forms V397M, V477M, V521M, V280M, V396M.
Identifiers: ClinVar variation 927885 (VCV000927885.7), dbSNP rs767550594, ClinGen allele CA055365.

ClinVar aggregate classification (germline): Uncertain significance. Review status: criteria provided, multiple submitters, no conflicts (2 of 4 stars). 2 submissions from 2 submitters: Uncertain significance (2). Last evaluated 2024-07-20.

Conditions:
Cardiomyopathy (CMYO). Also called: Cardiomyopathies. Identifiers: Orphanet 167848, MedGen C0878544, MONDO:0004994, HP:0001638. Inheritance: Various modes of inheritance.
Hypertrophic cardiomyopathy. Also called: HYPERTROPHIC MYOCARDIOPATHY. Identifiers: Orphanet 217569, MedGen C0007194, MeSH D002312, MONDO:0005045, HP:0001639.

Allele frequency attached by ClinVar (database versions not stated): gnomAD exomes below 0.00001 and 0.00001; ExAC 0.00001.
gnomAD v4.1: 9 of 1,614,128 alleles (0.00056%); highest among the groups gnomAD compares: East Asian, 0.0022%; no homozygotes.

Submissions (2):

All of Us Research Program, National Institutes of Health
Classification: Uncertain significance for Hypertrophic cardiomyopathy. Last evaluated: 2024-07-20. Review status: criteria provided, single submitter. Criteria: ACMG Guidelines, 2015. Collection method: clinical testing. Allele origin: germline. Inheritance: Autosomal dominant inheritance. Observed: 4 variant alleles, 4 heterozygotes.
Comment: This missense variant replaces valine with methionine at codon 521 of the PRKAG2 protein. Computational prediction tools and conservation analyses are inconclusive regarding the impact of this variant on the protein function. Computational splicing tools suggest that this variant may not impact RNA splicing. To our knowledge, functional assays have not been performed for this variant nor has this variant been reported in individuals affected with cardiovascular disorders in the literature. This variant has been identified in 1/251484 chromosomes in the general population by the Genome Aggregation Database (gnomAD). Available evidence is insufficient to determine the role of this variant in disease conclusively. Therefore, this variant is classified as a Variant of Uncertain Significance.

This study involves interpretation of variants in research participants for the purpose of population health screening. Participant phenotype was not available at the time of variant classification. Additional details can be found in publication PMID: 35346344, PMCID: PMC8962531

Color Diagnostics, LLC DBA Color Health
Classification: Uncertain significance for Cardiomyopathy. Last evaluated: 2024-03-06. Review status: criteria provided, single submitter. Criteria: ACMG Guidelines, 2015. Collection method: clinical testing. Allele origin: germline.
Comment: This missense variant replaces valine with methionine at codon 521 of the PRKAG2 protein. Computational prediction is inconclusive regarding the impact of this variant on protein structure and function (internally defined REVEL score threshold 0.5 < inconclusive < 0.7, PMID: 27666373). To our knowledge, functional studies have not been reported for this variant. This variant has not been reported in individuals affected with PRKAG2-related disorders in the literature. This variant has been identified in 1/251484 chromosomes in the general population by the Genome Aggregation Database (gnomAD). The available evidence is insufficient to determine the role of this variant in disease conclusively. Therefore, this variant is classified as a Variant of Uncertain Significance.